The following is an entry in ClinVar:

ClinVar aggregate classification (germline): Uncertain significance. Review status: criteria provided, multiple submitters, no conflicts (2 of 4 stars). 2 submissions from 2 submitters: Uncertain significance (2). Last evaluated 2023-11-02.

Conditions:
DICER1-related tumor predisposition. Also called: DICER1-related pleuropulmonary blastoma cancer predisposition syndrome; DICER1 syndrome. Identifiers: Orphanet 284343, MedGen C3839822, MONDO:0100216.
Hereditary cancer-predisposing syndrome. Also called: Neoplastic Syndromes, Hereditary; Hereditary Cancer Syndrome; Hereditary neoplastic syndrome; Tumor predisposition. Identifiers: Orphanet 140162, MedGen C0027672, MeSH D009386, MONDO:0015356.

Allele frequency attached by ClinVar (database versions not stated): gnomAD exomes below 0.00001.
gnomAD v4.1: 1 of 1,614,214 alleles (0.000062%); highest among the groups gnomAD compares: Non-Finnish European, 0.000085%; no homozygotes.

Submissions (2):

Labcorp Genetics (formerly Invitae), Labcorp
Classification: Uncertain significance for DICER1-related tumor predisposition. Last evaluated: 2023-11-02. Review status: criteria provided, single submitter. Criteria: Invitae Variant Classification Sherloc (09022015). Collection method: clinical testing. Allele origin: germline.
Comment: This sequence change replaces cysteine, which is neutral and slightly polar, with phenylalanine, which is neutral and non-polar, at codon 1604 of the DICER1 protein (p.Cys1604Phe). This variant is present in population databases (no rsID available, gnomAD 0.0009%). This variant has not been reported in the literature in individuals affected with DICER1-related conditions. ClinVar contains an entry for this variant (Variation ID: 825199). An algorithm developed to predict the effect of missense changes on protein structure and function (PolyPhen-2) suggests that this variant is likely to be tolerated. In summary, the available evidence is currently insufficient to determine the role of this variant in disease. Therefore, it has been classified as a Variant of Uncertain Significance.

Ambry Genetics
Classification: Uncertain significance for Hereditary cancer-predisposing syndrome. Last evaluated: 2018-01-29. Review status: criteria provided, single submitter. Criteria: Ambry Variant Classification Scheme 2023. Collection method: clinical testing. Allele origin: germline.
Comment: The p.C1604F variant (also known as c.4811G>T), located in coding exon 22 of the DICER1 gene, results from a G to T substitution at nucleotide position 4811. The cysteine at codon 1604 is replaced by phenylalanine, an amino acid with highly dissimilar properties. This amino acid position is poorly conserved in available vertebrate species. In addition, this alteration is predicted to be tolerated by in silico analysis. Since supporting evidence is limited at this time, the clinical significance of this alteration remains unclear.

NM_177438.3(DICER1):c.4811G>T (p.Cys1604Phe)

Gene: DICER1 (dicer 1, ribonuclease III; minus strand). Cytogenetic location: 14q32.13.
Variant type: single nucleotide variant.
Coding change: c.4811G>T on transcript NM_177438.3 (MANE Select); coding-DNA position 4811, G replaced by T.
Protein change: p.Cys1604Phe; replaces cysteine 1604 with phenylalanine.
Molecular consequence: missense variant.
Genome position (GRCh38, 1-based): chr14:95,096,109, C>A on the plus strand (G>T on the coding strand, the complement: DICER1 is on the minus strand). VCF-style: chr14-95096109-C-A. GRCh37 (hg19) VCF-style: chr14-95562446-C-A.
Other names: c.4811G>T, p.Cys1604Phe (NM_001195573.1, NM_001271282.3, NM_001291628.2 and 1 more transcripts); short protein forms C1604F.
Identifiers: ClinVar variation 825199 (VCV000825199.15), dbSNP rs1254200271, ClinGen allele CA390867032.
Genomic context (GRCh38, chr14:95,096,109, plus strand): 5'-GCAGCAGCACAGCTCACTGAAAGGTTCTTTTGTTGGCTGTTGAAATTCTCCCGAGTAGGG[C>A]ACAGGGCCTTTTCCCGATCAGTCCTTTTAATTACCGGGAGCACCTTCAGCCCCAGTGAAC-3'
Protein context (NP_803187.1, residues 1594-1614): IKRTDREKAL[Cys1604Phe]PTRENFNSQQ